The following is an entry in ClinVar:

ClinVar aggregate classification (germline): Pathogenic (1 of 4 stars; one submission).

Submission:

Labcorp Genetics (formerly Invitae), Labcorp
Classification: Pathogenic. Last evaluated: 2023-08-28. Review status: criteria provided, single submitter. Criteria: Invitae Variant Classification Sherloc (09022015). Collection method: clinical testing. Allele origin: germline.
Comment: This sequence change creates a premature translational stop signal (p.Glu543*) in the F11 gene. It is expected to result in an absent or disrupted protein product. Loss-of-function variants in F11 are known to be pathogenic (PMID: 23929304). This variant is present in population databases (no rsID available, gnomAD 0.01%). This variant has not been reported in the literature in individuals affected with F11-related conditions. For these reasons, this variant has been classified as Pathogenic.

Literature cited by the submitters: PubMed 23929304.

NM_000128.4(F11):c.1627G>T (p.Glu543Ter)

Genes: F11 (coagulation factor XI; plus strand), F11-AS1 (F11 antisense RNA 1; minus strand). Cytogenetic location: 4q35.2.
Variant type: single nucleotide variant.
Coding change: c.1627G>T on transcript NM_000128.4 (MANE Select); coding-DNA position 1627, G replaced by T.
Protein change: p.Glu543Ter; replaces glutamic acid 543 with a stop codon.
Molecular consequence: nonsense.
Genome position (GRCh38, 1-based): chr4:186,287,734, G>T. VCF-style: chr4-186287734-G-T. GRCh37 (hg19) VCF-style: chr4-187208888-G-T.
Other names: short protein forms E543*.
Identifiers: ClinVar variation 2906243 (VCV002906243.3), dbSNP rs142952627, ClinGen allele CA358945552.